The following is an entry in ClinVar:

NM_005157.6(ABL1):c.2025G>C (p.Glu675Asp)

Gene: ABL1 (ABL proto-oncogene 1, non-receptor tyrosine kinase; plus strand). Cytogenetic location: 9q34.12.
Variant type: single nucleotide variant.
Coding change: c.2025G>C on transcript NM_005157.6 (MANE Select); coding-DNA position 2025, G replaced by C.
Protein change: p.Glu675Asp; replaces glutamic acid 675 with aspartic acid.
Molecular consequence: missense variant.
Genome position (GRCh38, 1-based): chr9:130,884,315, G>C. VCF-style: chr9-130884315-G-C. GRCh37 (hg19) VCF-style: chr9-133759702-G-C.
Other names: c.2082G>C, p.Glu694Asp (NM_007313.3); short protein forms E675D, E694D.
Identifiers: ClinVar variation 2636140 (VCV002636140.1), dbSNP rs1831524231, ClinGen allele CA375254801.

ClinVar aggregate classification (germline): Uncertain significance (1 of 4 stars; one submission).

Conditions:
ABL1-related disorder. Also called: ABL1-related condition.

gnomAD v4.1: 4 of 1,611,718 alleles (0.00025%); highest among the groups gnomAD compares: Non-Finnish European, 0.00034%; no homozygotes.

Submission:

PreventionGenetics, part of Exact Sciences
Classification: Uncertain significance for ABL1-related condition. Last evaluated: 2023-03-03. Review status: criteria provided, single submitter. Criteria: ACMG Guidelines, 2015. Collection method: clinical testing. Allele origin: germline.
Comment: The ABL1 c.2082G>C variant is predicted to result in the amino acid substitution p.Glu694Asp. To our knowledge, this variant has not been reported in the literature or in a large population database, indicating this variant is rare. At this time, the clinical significance of this variant is uncertain due to the absence of conclusive functional and genetic evidence.